The following is an entry in ClinVar:

NM_001365088.1(SLC12A6):c.2009C>T (p.Pro670Leu)

Gene: SLC12A6 (solute carrier family 12 member 6; minus strand). Cytogenetic location: 15q14.
Variant type: single nucleotide variant.
Coding change: c.2009C>T on transcript NM_001365088.1 (MANE Select); coding-DNA position 2009, C replaced by T.
Protein change: p.Pro670Leu; replaces proline 670 with leucine.
Molecular consequence: missense variant.
Genome position (GRCh38, 1-based): chr15:34,244,007, G>A on the plus strand (C>T on the coding strand, the complement: SLC12A6 is on the minus strand). VCF-style: chr15-34244007-G-A. GRCh37 (hg19) VCF-style: chr15-34536208-G-A.
Other names: c.1856C>T, p.Pro619Leu (NM_005135.2); c.2009C>T, p.Pro670Leu (NM_133647.2); c.1832C>T, p.Pro611Leu (NM_001042494.2, NM_001042495.2); c.1982C>T, p.Pro661Leu (NM_001042496.2); c.1964C>T, p.Pro655Leu (NM_001042497.2); short protein forms P611L, P619L, P655L, P661L, P670L.
Identifiers: ClinVar variation 5018411 (VCV005018411.1).

ClinVar aggregate classification (germline): Uncertain significance (1 of 4 stars; one submission).

gnomAD v4.1: 1 of 1,607,808 alleles (0.000062%); highest among the groups gnomAD compares: Non-Finnish European, 0.000085%; no homozygotes.

Submission:

GeneDx
Classification: Uncertain significance. Last evaluated: 2026-04-10. Review status: criteria provided, single submitter. Criteria: GeneDx Variant Classification Process June 2021. Collection method: clinical testing. Allele origin: germline.
Comment: Not observed at significant frequency in large population cohorts (gnomAD); In silico analysis supports that this missense variant has a deleterious effect on protein structure/function; Has not been previously published as pathogenic or benign to our knowledge